The following is an entry in ClinVar:

NM_022124.6(CDH23):c.7077A>C (p.Thr2359=)

Gene: CDH23 (cadherin related 23; plus strand). Cytogenetic location: 10q22.1.
Variant type: single nucleotide variant.
Coding change: c.7077A>C on transcript NM_022124.6 (MANE Select); coding-DNA position 7077, A replaced by C.
Protein change: p.Thr2359=; no amino-acid change (threonine 2359 retained).
Molecular consequence: synonymous variant.
Genome position (GRCh38, 1-based): chr10:71,799,133, A>C. VCF-style: chr10-71799133-A-C. GRCh37 (hg19) VCF-style: chr10-73558890-A-C.
Other names: c.357A>C, p.Thr119= (NM_001171933.1, NM_001171934.1).
Identifiers: ClinVar variation 197927 (VCV000197927.19), dbSNP rs191154178, ClinGen allele CA246316.

ClinVar aggregate classification (germline): Conflicting classifications of pathogenicity. Review status: criteria provided, conflicting classifications (1 of 4 stars). 4 submissions from 4 submitters: Uncertain significance (1); Likely benign (2). 1 of the submissions does not count toward it. Last evaluated 2025-03-13.

Conditions:
CDH23-related disorder. Also called: CDH23-related condition; CDH23-related disorders.

Allele frequency attached by ClinVar (database versions not stated): ExAC 0.00002; gnomAD exomes 0.00002; gnomAD 0.00003; TOPMed 0.00003; 1000 Genomes Project 30x 0.00016; 1000 Genomes Project 0.00020.
gnomAD v4.1: 36 of 1,613,970 alleles (0.0022%); highest among the groups gnomAD compares: Admixed American, 0.0067%; no homozygotes.

Submissions (4):

Labcorp Genetics (formerly Invitae), Labcorp
Classification: Likely benign. Last evaluated: 2025-03-13. Review status: criteria provided, single submitter. Criteria: Invitae Variant Classification Sherloc (09022015). Collection method: clinical testing. Allele origin: germline.

Blueprint Genetics
Classification: Likely benign. Last evaluated: 2022-06-21. Review status: criteria provided, single submitter. Criteria: ACMG Guidelines, 2015. Collection method: clinical testing. Allele origin: germline.

Eurofins Ntd Llc (ga)
Classification: Uncertain significance. Last evaluated: 2015-01-21. Review status: criteria provided, single submitter. Criteria: EGL Classification Definitions 2015. Collection method: clinical testing. Allele origin: germline. Observed: 1 variant allele, 1 heterozygote.

PreventionGenetics, part of Exact Sciences
Classification: Likely benign for CDH23-related condition. Last evaluated: 2019-11-15. Review status: no assertion criteria provided. Collection method: clinical testing. Allele origin: germline. Not counted in ClinVar's aggregate classification.
Comment: This variant is classified as likely benign based on ACMG/AMP sequence variant interpretation guidelines (Richards et al. 2015 PMID: 25741868, with internal and published modifications).